The following is an entry in ClinVar:

NM_001267550.2(TTN):c.46406C>T (p.Ser15469Phe)

Genes: TTN (titin; minus strand), TTN-AS1 (TTN antisense RNA 1; plus strand). Cytogenetic location: 2q31.2.
Variant type: single nucleotide variant.
Coding change: c.46406C>T on transcript NM_001267550.2 (MANE Select); coding-DNA position 46406, C replaced by T.
Protein change: p.Ser15469Phe; replaces serine 15469 with phenylalanine.
Molecular consequence: missense variant. On other transcripts: non-coding transcript variant (1).
Genome position (GRCh38, 1-based): chr2:178,620,011, G>A on the plus strand (C>T on the coding strand, the complement: TTN is on the minus strand). VCF-style: chr2-178620011-G-A. GRCh37 (hg19) VCF-style: chr2-179484738-G-A.
Other names: p.Ser12901Phe; c.41483C>T, p.Ser13828Phe (NM_001256850.1); c.19211C>T, p.Ser6404Phe (NM_003319.4); c.38702C>T, p.Ser12901Phe (NM_133378.4); c.19586C>T, p.Ser6529Phe (NM_133432.3); c.19787C>T, p.Ser6596Phe (NM_133437.4); short protein forms S12901F, S13828F, S15469F, S6404F, S6529F, S6596F.
Identifiers: ClinVar variation 1807504 (VCV001807504.10), dbSNP rs376373678, ClinGen allele CA1995249.

ClinVar aggregate classification (germline): Uncertain significance. Review status: criteria provided, multiple submitters, no conflicts (2 of 4 stars). 4 submissions from 4 submitters: Uncertain significance (4). Last evaluated 2025-12-01.

Allele frequency attached by ClinVar (database versions not stated): ExAC 0.00002; gnomAD 0.00003; gnomAD exomes 0.00004; ESP Exome Variant Server 0.00008.
gnomAD v4.1: 61 of 1,610,640 alleles (0.0038%); highest among the groups gnomAD compares: Non-Finnish European, 0.0046%; no homozygotes.

Submissions (4):

CeGaT Center for Human Genetics Tuebingen
Classification: Uncertain significance. Last evaluated: 2025-12-01. Review status: criteria provided, single submitter. Criteria: CeGaT Center For Human Genetics Tuebingen Variant Classification Criteria Version 2. Collection method: clinical testing. Allele origin: germline. Affected: yes. Observed: 2 variant alleles.
Comment: TTN: PM2

Women's Health and Genetics/Laboratory Corporation of America, LabCorp
Classification: Uncertain significance. Last evaluated: 2025-10-13. Review status: criteria provided, single submitter. Criteria: LabCorp Variant Classification Summary - May 2015. Collection method: clinical testing. Allele origin: germline.

Mayo Clinic Laboratories, Mayo Clinic
Classification: Uncertain significance. Last evaluated: 2025-10-02. Review status: criteria provided, single submitter. Criteria: ACMG Guidelines, 2015. Collection method: clinical testing. Allele origin: germline. Observed: 1 variant allele.

Athena Diagnostics
Classification: Uncertain significance. Last evaluated: 2021-12-20. Review status: criteria provided, single submitter. Criteria: Athena Diagnostics Criteria. Collection method: clinical testing. Allele origin: unknown.